The following is an entry in ClinVar:

NM_007167.4(ZMYM6):c.1878A>C (p.Pro626=)

Gene: ZMYM6 (zinc finger MYM-type containing 6; minus strand). Cytogenetic location: 1p34.3.
Variant type: single nucleotide variant.
Coding change: c.1878A>C on transcript NM_007167.4 (MANE Select); coding-DNA position 1878, A replaced by C.
Protein change: p.Pro626=; no amino-acid change (proline 626 retained).
Molecular consequence: synonymous variant.
Genome position (GRCh38, 1-based): chr1:35,005,208, T>G on the plus strand (A>C on the coding strand, the complement: ZMYM6 is on the minus strand). VCF-style: chr1-35005208-T-G. GRCh37 (hg19) VCF-style: chr1-35470809-T-G.
Identifiers: ClinVar variation 3055336 (VCV003055336.2), dbSNP rs1475061234, ClinGen allele CA417137668.

ClinVar aggregate classification (germline): Likely benign (0 of 4 stars; one submission).

Conditions:
ZMYM6-related disorder. Also called: ZMYM6-related condition.

Allele frequency attached by ClinVar (database versions not stated): gnomAD exomes below 0.00001; TOPMed below 0.00001.
gnomAD v4.1: 1 of 1,614,104 alleles (0.000062%); highest among the groups gnomAD compares: Admixed American, 0.0017%; no homozygotes.

Submission:

PreventionGenetics, part of Exact Sciences
Classification: Likely benign for ZMYM6-related condition. Last evaluated: 2024-02-06. Review status: no assertion criteria provided. Collection method: clinical testing. Allele origin: germline.
Comment: This variant is classified as likely benign based on ACMG/AMP sequence variant interpretation guidelines (Richards et al. 2015 PMID: 25741868, with internal and published modifications).